The following is an entry in ClinVar:

NM_001170629.2(CHD8):c.7720G>A (p.Asp2574Asn)

Gene: CHD8 (chromodomain helicase DNA binding protein 8; minus strand). Cytogenetic location: 14q11.2.
Variant type: single nucleotide variant.
Coding change: c.7720G>A on transcript NM_001170629.2 (MANE Select); coding-DNA position 7720, G replaced by A.
Protein change: p.Asp2574Asn; replaces aspartic acid 2574 with asparagine.
Molecular consequence: missense variant.
Genome position (GRCh38, 1-based): chr14:21,385,639, C>T on the plus strand (G>A on the coding strand, the complement: CHD8 is on the minus strand). VCF-style: chr14-21385639-C-T. GRCh37 (hg19) VCF-style: chr14-21853798-C-T.
Other names: c.6883G>A, p.Asp2295Asn (NM_020920.4); c.7720G>A (NM_001170629.1); short protein forms D2295N, D2574N.
Identifiers: ClinVar variation 1504346 (VCV001504346.9), dbSNP rs2139427520, ClinGen allele CA388874161.

ClinVar aggregate classification (germline): Uncertain significance. Review status: criteria provided, multiple submitters, no conflicts (2 of 4 stars). 2 submissions from 2 submitters: Uncertain significance (2). Last evaluated 2024-02-15.

Submissions (2):

GeneDx
Classification: Uncertain significance. Last evaluated: 2024-02-15. Review status: criteria provided, single submitter. Criteria: GeneDx Variant Classification Process June 2021. Collection method: clinical testing. Allele origin: germline. Affected: yes.
Comment: Not observed at significant frequency in large population cohorts (gnomAD); In silico analysis supports that this missense variant does not alter protein structure/function; Has not been previously published as pathogenic or benign to our knowledge

Labcorp Genetics (formerly Invitae), Labcorp
Classification: Uncertain significance. Last evaluated: 2021-01-22. Review status: criteria provided, single submitter. Criteria: Invitae Variant Classification Sherloc (09022015). Collection method: clinical testing. Allele origin: germline.
Comment: In summary, the available evidence is currently insufficient to determine the role of this variant in disease. Therefore, it has been classified as a Variant of Uncertain Significance. Algorithms developed to predict the effect of missense changes on protein structure and function are either unavailable or do not agree on the potential impact of this missense change (SIFT: "Tolerated"; PolyPhen-2: "Possibly Damaging"; Align-GVGD: "Class C0"). This variant has not been reported in the literature in individuals with CHD8-related conditions. This variant is not present in population databases (ExAC no frequency). This sequence change replaces aspartic acid with asparagine at codon 2574 of the CHD8 protein (p.Asp2574Asn). The aspartic acid residue is weakly conserved and there is a small physicochemical difference between aspartic acid and asparagine.